The following is an entry in ClinVar:

ClinVar aggregate classification (germline): Uncertain significance. Review status: criteria provided, multiple submitters, no conflicts (2 of 4 stars). 3 submissions from 3 submitters: Uncertain significance (3). Last evaluated 2023-12-05.

Conditions:
Cardiomyopathy (CMYO). Also called: Cardiomyopathies. Identifiers: Orphanet 167848, MedGen C0878544, MONDO:0004994, HP:0001638. Inheritance: Various modes of inheritance.
Catecholaminergic polymorphic ventricular tachycardia (CVPT). Also called: Catecholamine-induced polymorphic ventricular tachycardia. Identifiers: Orphanet 3286, MedGen C5574922, MONDO:0017990.

Allele frequency attached by ClinVar (database versions not stated): gnomAD exomes below 0.00001; ExAC 0.00001; gnomAD 0.00001; TOPMed 0.00001.
gnomAD v4.1: 3 of 1,613,270 alleles (0.00019%); highest among the groups gnomAD compares: Non-Finnish European, 0.00025%; no homozygotes.

Submissions (3):

Color Diagnostics, LLC DBA Color Health
Classification: Uncertain significance for Cardiomyopathy. Last evaluated: 2023-12-05. Review status: criteria provided, single submitter. Criteria: ACMG Guidelines, 2015. Collection method: clinical testing. Allele origin: germline.
Comment: This missense variant replaces glycine with glutamic acid at codon 2699 of the RYR2 protein. Computational prediction tools and conservation analyses suggest that this variant may have deleterious impact on the protein function. Computational splicing tools suggest that this variant may not impact RNA splicing. To our knowledge, functional assays have not been performed for this variant nor has this variant been reported in individuals affected with cardiovascular disorders in the literature. This variant has been identified in 1/247998 chromosomes in the general population by the Genome Aggregation Database (gnomAD). Available evidence is insufficient to determine the role of this variant in disease conclusively. Therefore, this variant is classified as a Variant of Uncertain Significance.

All of Us Research Program, National Institutes of Health
Classification: Uncertain significance for Catecholaminergic polymorphic ventricular tachycardia. Last evaluated: 2023-06-28. Review status: criteria provided, single submitter. Criteria: ACMG Guidelines, 2015. Collection method: clinical testing. Allele origin: germline. Inheritance: Autosomal dominant inheritance. Observed: 1 variant allele, 1 heterozygote.
Comment: This missense variant replaces glycine with glutamic acid at codon 2699 of the RYR2 protein. Computational prediction tools and conservation analyses suggest that this variant may have deleterious impact on the protein function. Computational splicing tools suggest that this variant may not impact RNA splicing. To our knowledge, functional assays have not been performed for this variant nor has this variant been reported in individuals affected with cardiovascular disorders in the literature. This variant has been identified in 1/247998 chromosomes in the general population by the Genome Aggregation Database (gnomAD). Available evidence is insufficient to determine the role of this variant in disease conclusively. Therefore, this variant is classified as a Variant of Uncertain Significance.

This study involves interpretation of variants in research participants for the purpose of population health screening. Participant phenotype was not available at the time of variant classification. Additional details can be found in publication PMID: 35346344, PMCID: PMC8962531

GeneDx
Classification: Uncertain significance. Last evaluated: 2019-02-19. Review status: criteria provided, single submitter. Criteria: GeneDx Variant Classification Process June 2021. Collection method: clinical testing. Allele origin: germline. Affected: yes.
Comment: Not observed at a significant frequency in large population cohorts (Lek et al., 2016); In silico analysis, which includes protein predictors and evolutionary conservation, supports a deleterious effect; Has not been previously published as pathogenic or benign to our knowledge

NM_001035.3(RYR2):c.8096G>A (p.Gly2699Glu)

Gene: RYR2 (ryanodine receptor 2; plus strand). Cytogenetic location: 1q43.
Variant type: single nucleotide variant.
Coding change: c.8096G>A on transcript NM_001035.3 (MANE Select); coding-DNA position 8096, G replaced by A.
Protein change: p.Gly2699Glu; replaces glycine 2699 with glutamic acid.
Molecular consequence: missense variant.
Genome position (GRCh38, 1-based): chr1:237,655,951, G>A. VCF-style: chr1-237655951-G-A. GRCh37 (hg19) VCF-style: chr1-237819251-G-A.
Other names: c.8096G>A (NM_001035.2); short protein forms G2699E.
Identifiers: ClinVar variation 923153 (VCV000923153.8), dbSNP rs750180419, ClinGen allele CA087564.